The following is an entry in ClinVar:

ClinVar aggregate classification (germline): Uncertain significance (1 of 4 stars; one submission).

Conditions:
Ichthyosis linearis circumflexa. Identifiers: MedGen C0265962, MONDO:0043106, HP:0025810.

Submission:

Labcorp Genetics (formerly Invitae), Labcorp
Classification: Uncertain significance for Ichthyosis linearis circumflexa. Last evaluated: 2022-09-09. Review status: criteria provided, single submitter. Criteria: Invitae Variant Classification Sherloc (09022015). Collection method: clinical testing. Allele origin: germline.
Comment: In summary, the available evidence is currently insufficient to determine the role of this variant in disease. Therefore, it has been classified as a Variant of Uncertain Significance. Algorithms developed to predict the effect of missense changes on protein structure and function output the following: SIFT: "Tolerated"; PolyPhen-2: "Benign"; Align-GVGD: "Class C0". The glycine amino acid residue is found in multiple mammalian species, which suggests that this missense change does not adversely affect protein function. ClinVar contains an entry for this variant (Variation ID: 948790). This variant has not been reported in the literature in individuals affected with SPINK5-related conditions. This variant is not present in population databases (gnomAD no frequency). This sequence change replaces serine, which is neutral and polar, with glycine, which is neutral and non-polar, at codon 1058 of the SPINK5 protein (p.Ser1058Gly).

NM_006846.4(SPINK5):c.3172A>G (p.Ser1058Gly)

Gene: SPINK5 (serine peptidase inhibitor Kazal type 5; plus strand). Cytogenetic location: 5q32.
Variant type: single nucleotide variant.
Coding change: c.3172A>G on transcript NM_006846.4 (MANE Select); coding-DNA position 3172, A replaced by G.
Protein change: p.Ser1058Gly; replaces serine 1058 with glycine.
Molecular consequence: missense variant.
Genome position (GRCh38, 1-based): chr5:148,133,873, A>G. VCF-style: chr5-148133873-A-G. GRCh37 (hg19) VCF-style: chr5-147513436-A-G.
Other names: c.3262A>G, p.Ser1088Gly (NM_001127698.2); short protein forms S1058G, S1088G.
Identifiers: ClinVar variation 948790 (VCV000948790.8), dbSNP rs1754634181, ClinGen allele CA361652454.